The following is an entry in ClinVar:

ClinVar aggregate classification (germline): Uncertain significance (0 of 4 stars; one submission).

Submission:

Richard Lifton Laboratory, Yale University School of Medicine
Classification: Uncertain significance. Review status: no assertion criteria provided. Collection method: not provided. Allele origin: somatic.
Comment: ARRDC3
ClinVar note: Converted during submission from unknown to Uncertain significance.

NM_020801.4(ARRDC3):c.1022A>G (p.Glu341Gly)

Gene: ARRDC3 (arrestin domain containing 3; minus strand). Cytogenetic location: 5q14.3.
Variant type: single nucleotide variant.
Coding change: c.1022A>G on transcript NM_020801.4 (MANE Select); coding-DNA position 1022, A replaced by G.
Protein change: p.Glu341Gly; replaces glutamic acid 341 with glycine.
Molecular consequence: missense variant. On other transcripts: non-coding transcript variant (2).
Genome position (GRCh38, 1-based): chr5:91,374,125, T>C on the plus strand (A>G on the coding strand, the complement: ARRDC3 is on the minus strand). VCF-style: chr5-91374125-T-C. GRCh37 (hg19) VCF-style: chr5-90669942-T-C.
Other names: c.362A>G, p.Glu121Gly (NM_001329670.2, NM_001329671.2, NM_001329672.2); short protein forms E341G, E121G.
Identifiers: ClinVar variation 92008 (VCV000092008.2), dbSNP rs386352279, ClinGen allele CA232341.